The following is an entry in ClinVar:

ClinVar aggregate classification (germline): Uncertain significance (1 of 4 stars; one submission).

Conditions:
Meckel-Gruber syndrome. Also called: GRUBER SYNDROME; DYSENCEPHALIA SPLANCHNOCYSTICA; Dysencephalia splachnocystica. Identifiers: Orphanet 564, MedGen C0265215, MONDO:0018921.
Joubert syndrome. Also called: Familial aplasia of the vermis; JOUBERT-BOLTSHAUSER SYNDROME; CEREBELLOPARENCHYMAL DISORDER IV. Identifiers: Orphanet 475, MedGen C5979921, MONDO:0018772.

Submission:

Labcorp Genetics (formerly Invitae), Labcorp
Classification: Uncertain significance for Joubert syndrome; Meckel-Gruber syndrome. Last evaluated: 2025-06-30. Review status: criteria provided, single submitter. Criteria: Invitae Variant Classification Sherloc (09022015). Collection method: clinical testing. Allele origin: germline.
Comment: This sequence change replaces serine, which is neutral and polar, with arginine, which is basic and polar, at codon 917 of the TMEM67 protein (p.Ser917Arg). This variant is not present in population databases (gnomAD no frequency). This variant has not been reported in the literature in individuals affected with TMEM67-related conditions. Invitae Evidence Modeling of protein sequence and biophysical properties (such as structural, functional, and spatial information, amino acid conservation, physicochemical variation, residue mobility, and thermodynamic stability) indicates that this missense variant is expected to disrupt TMEM67 protein function with a positive predictive value of 95%. In summary, the available evidence is currently insufficient to determine the role of this variant in disease. Therefore, it has been classified as a Variant of Uncertain Significance.

NM_153704.6(TMEM67):c.2749A>C (p.Ser917Arg)

Gene: TMEM67 (transmembrane protein 67; plus strand). Cytogenetic location: 8q22.1.
Variant type: single nucleotide variant.
Coding change: c.2749A>C on transcript NM_153704.6 (MANE Select); coding-DNA position 2749, A replaced by C.
Protein change: p.Ser917Arg; replaces serine 917 with arginine.
Molecular consequence: missense variant. On other transcripts: non-coding transcript variant (1).
Genome position (GRCh38, 1-based): chr8:93,809,872, A>C. VCF-style: chr8-93809872-A-C. GRCh37 (hg19) VCF-style: chr8-94822100-A-C.
Other names: c.2506A>C, p.Ser836Arg (NM_001142301.1); short protein forms S917R, S836R.
Identifiers: ClinVar variation 4789781 (VCV004789781.1).